The following is an entry in ClinVar:

ClinVar aggregate classification (germline): Pathogenic (1 of 4 stars; one submission).

Conditions:
MED13L-related disorder. Also called: MED13L-related condition.

Submission:

GeneDx
Classification: Pathogenic. Last evaluated: 2021-09-29. Review status: criteria provided, single submitter. Criteria: GeneDx Variant Classification Process June 2021. Collection method: clinical testing. Allele origin: germline. Affected: yes.
Comment: Nonsense variant predicted to result in protein truncation or nonsense mediated decay in a gene for which loss-of-function is a known mechanism of disease; Not observed in large population cohorts (Lek et al., 2016); Has not been previously published as pathogenic or benign to our knowledge

NM_015335.5(MED13L):c.1684C>T (p.Gln562Ter)

Gene: MED13L (mediator complex subunit 13L; minus strand). Cytogenetic location: 12q24.21.
Variant type: single nucleotide variant.
Coding change: c.1684C>T on transcript NM_015335.5 (MANE Select); coding-DNA position 1684, C replaced by T.
Protein change: p.Gln562Ter; replaces glutamine 562 with a stop codon.
Molecular consequence: nonsense.
Genome position (GRCh38, 1-based): chr12:116,008,729, G>A on the plus strand (C>T on the coding strand, the complement: MED13L is on the minus strand). VCF-style: chr12-116008729-G-A. GRCh37 (hg19) VCF-style: chr12-116446534-G-A.
Other names: short protein forms Q562*.
Identifiers: ClinVar variation 1300394 (VCV001300394.4), dbSNP rs2137385115, ClinGen allele CA386895785.
Genomic context (GRCh38, chr12:116,008,729, plus strand): 5'-GGGCTGGATTCACAGGGACCGATGGTGGGTCCAAACTCTCTGTTTCCTGACCTCGTGGCT[G>A]AGGGCTGAGTGTTGGTGGCAGAGGGGATATAGGGGAATGAGGTGAATCCATAGGATTCAG-3'